The following is an entry in ClinVar:

ClinVar aggregate classification (germline): Benign/Likely benign. Review status: criteria provided, multiple submitters, no conflicts (2 of 4 stars). 2 submissions from 2 submitters: Benign (1); Likely benign (1). Last evaluated 2025-07-29.

Conditions:
3-methylglutaconic aciduria type 1 (MGCA1). Identifiers: Orphanet 67046, MedGen C0342727, MONDO:0009610, OMIM 250950.

Allele frequency attached by ClinVar (database versions not stated): gnomAD exomes 0.00001 and below 0.00001; TOPMed 0.00001; gnomAD 0.00001; ExAC 0.00002.
gnomAD v4.1: 16 of 1,614,070 alleles (0.00099%); highest among the groups gnomAD compares: South Asian, 0.0022%; no homozygotes.

Submissions (2):

Labcorp Genetics (formerly Invitae), Labcorp
Classification: Likely benign for 3-methylglutaconic aciduria type 1. Last evaluated: 2025-07-29. Review status: criteria provided, single submitter. Criteria: Invitae Variant Classification Sherloc (09022015). Collection method: clinical testing. Allele origin: germline.

GeneDx
Classification: Benign. Last evaluated: 2014-06-30. Review status: criteria provided, single submitter. Criteria: GeneDx Variant Classification (06012015). Collection method: clinical testing. Allele origin: germline. Affected: yes.
Comment: This variant is considered likely benign or benign based on one or more of the following criteria: it is a conservative change, it occurs at a poorly conserved position in the protein, it is predicted to be benign by multiple in silico algorithms, and/or has population frequency not consistent with disease.

NM_001698.3(AUH):c.798G>A (p.Ala266=)

Gene: AUH (AU RNA binding methylglutaconyl-CoA hydratase; minus strand). Cytogenetic location: 9q22.31.
Variant type: single nucleotide variant.
Coding change: c.798G>A on transcript NM_001698.3 (MANE Select); coding-DNA position 798, G replaced by A.
Protein change: p.Ala266=; no amino-acid change (alanine 266 retained).
Molecular consequence: synonymous variant.
Genome position (GRCh38, 1-based): chr9:91,220,850, C>T on the plus strand (G>A on the coding strand, the complement: AUH is on the minus strand). VCF-style: chr9-91220850-C-T. GRCh37 (hg19) VCF-style: chr9-93983132-C-T.
Other names: p.A266A:GCG>GCA; c.711G>A, p.Ala237= (NM_001306190.2); c.471G>A, p.Ala157= (NM_001351431.2, NM_001351432.2, NM_001351433.2).
Identifiers: ClinVar variation 214140 (VCV000214140.9), dbSNP rs760509061, ClinGen allele CA320459.